The following is an entry in ClinVar:

NM_001378454.1(ALMS1):c.9907+309G>A

Gene: ALMS1 (ALMS1 centrosome and basal body associated protein; plus strand). Cytogenetic location: 2p13.1.
Variant type: single nucleotide variant.
Coding change: c.9907+309G>A on transcript NM_001378454.1 (MANE Select); 309 bases into the intron after coding-DNA position 9907, G replaced by A.
Molecular consequence: intron variant.
Genome position (GRCh38, 1-based): chr2:73,535,258, G>A. VCF-style: chr2-73535258-G-A. GRCh37 (hg19) VCF-style: chr2-73762385-G-A.
Other names: c.9907+309G>A (NM_015120.4); c.9910+309G>A (NM_015120.4).
Identifiers: ClinVar variation 669780 (VCV000669780.1), dbSNP rs34032338, ClinGen allele CA50351046.

ClinVar aggregate classification (germline): Benign (1 of 4 stars; one submission).

Allele frequency attached by ClinVar (database versions not stated): gnomAD 0.05370; 1000 Genomes Project 30x 0.11587; 1000 Genomes Project 0.12540; TOPMed 0.05447.
gnomAD v4.1: 8,104 of 151,926 alleles (5.3%); highest among the groups gnomAD compares: East Asian, 41%; 616 homozygotes.

Submission:

GeneDx
Classification: Benign. Last evaluated: 2018-06-14. Review status: criteria provided, single submitter. Criteria: GeneDx Variant Classification (06012015). Collection method: clinical testing. Allele origin: germline. Affected: yes.
Comment: This variant is considered likely benign or benign based on one or more of the following criteria: it is a conservative change, it occurs at a poorly conserved position in the protein, it is predicted to be benign by multiple in silico algorithms, and/or has population frequency not consistent with disease.